The following is an entry in ClinVar:

ClinVar aggregate classification (germline): Likely pathogenic (1 of 4 stars; one submission).

Conditions:
Familial cancer of breast. Also called: Hereditary breast cancer; BREAST CANCER, FAMILIAL; hereditary breast carcinoma. Identifiers: Orphanet 227535, MedGen C0346153, MONDO:0016419, OMIM 114480. Disease mechanism: loss of function.

Submission:

Myriad Genetics, Inc.
Classification: Likely pathogenic for Familial cancer of breast. Last evaluated: 2023-05-18. Review status: criteria provided, single submitter. Criteria: Myriad Autosomal Dominant, Autosomal Recessive and X-Linked Classification Criteria (2023). Collection method: clinical testing. Allele origin: unknown.
Comment: This variant is considered likely pathogenic. This variant occurs within a consensus splice junction and is predicted to result in abnormal mRNA splicing of either an out-of-frame exon or an in-frame exon necessary for protein stability and/or normal function.

NM_000465.4(BARD1):c.158+1_158+3delinsTT

Gene: BARD1 (BRCA1 associated RING domain 1; minus strand). Cytogenetic location: 2q35.
Variant type: Indel.
Coding change: c.158+1_158+3delinsTT on transcript NM_000465.4 (MANE Select); the canonical splice donor site of the intron after coding-DNA position 158 through 3 bases into the intron after coding-DNA position 158, GTA replaced by TT.
Molecular consequence: splice donor variant.
Genome position (GRCh38, 1-based): chr2:214,809,409-214,809,411, TAC replaced by AA on the plus strand (GTA replaced by TT on the coding strand, the reverse complement: BARD1 is on the minus strand). VCF-style: chr2-214809409-TAC-AA. GRCh37 (hg19) VCF-style: chr2-215674133-TAC-AA.
Other names: c.158+1_158+3delinsTT (NM_001282548.2, NM_001282543.2, NM_001282545.2 and 1 more transcripts).
Identifiers: ClinVar variation 2583507 (VCV002583507.2), dbSNP rs2469637252, ClinGen allele CA2582342123.